The following is an entry in ClinVar:

NM_012469.4(PRPF6):c.618A>G (p.Gln206=)

Gene: PRPF6 (pre-mRNA processing factor 6; plus strand). Cytogenetic location: 20q13.33.
Variant type: single nucleotide variant.
Coding change: c.618A>G on transcript NM_012469.4 (MANE Select); coding-DNA position 618, A replaced by G.
Protein change: p.Gln206=; no amino-acid change (glutamine 206 retained).
Molecular consequence: synonymous variant.
Genome position (GRCh38, 1-based): chr20:63,995,329, A>G. VCF-style: chr20-63995329-A-G. GRCh37 (hg19) VCF-style: chr20-62626682-A-G.
Identifiers: ClinVar variation 1353914 (VCV001353914.9), dbSNP rs141646497, ClinGen allele CA9971960.
Genomic context (GRCh38, chr20:63,995,329, plus strand): 5'-CTTGGGCATGCAGTGCAAACCGTTGTTTTATTCTTGCCTTTCCTCTCTTCCCCTCCAGCA[A>G]TTTGGAGGTCTTAACACACCCTATCCAGGTGGACTAAACACTCCATACCCAGGTGGAATG-3'
Protein context (NP_036601.2, residues 196-216): NHTSVDPRQT[Gln206=]FGGLNTPYPG

ClinVar aggregate classification (germline): Uncertain significance. Review status: criteria provided, multiple submitters, no conflicts (2 of 4 stars). 2 submissions from 2 submitters: Uncertain significance (2). Last evaluated 2022-07-19.

Allele frequency attached by ClinVar (database versions not stated): gnomAD exomes below 0.00001; ExAC 0.00001; gnomAD 0.00001; TOPMed 0.00002; ESP Exome Variant Server 0.00008.
gnomAD v4.1: 4 of 1,611,272 alleles (0.00025%); highest among the groups gnomAD compares: Non-Finnish European, 0.00034%; no homozygotes.

Submissions (2):

Labcorp Genetics (formerly Invitae), Labcorp
Classification: Uncertain significance. Last evaluated: 2022-07-19. Review status: criteria provided, single submitter. Criteria: Invitae Variant Classification Sherloc (09022015). Collection method: clinical testing. Allele origin: germline.
Comment: This variant has not been reported in the literature in individuals affected with PRPF6-related conditions. In summary, the available evidence is currently insufficient to determine the role of this variant in disease. Therefore, it has been classified as a Variant of Uncertain Significance. Algorithms developed to predict the effect of sequence changes on RNA splicing suggest that this variant may create or strengthen a splice site. ClinVar contains an entry for this variant (Variation ID: 1353914). This variant is present in population databases (rs141646497, gnomAD 0.0009%). This sequence change affects codon 206 of the PRPF6 mRNA. It is a 'silent' change, meaning that it does not change the encoded amino acid sequence of the PRPF6 protein.

Blueprint Genetics
Classification: Uncertain significance. Last evaluated: 2019-10-03. Review status: criteria provided, single submitter. Criteria: ACMG Guidelines, 2015. Collection method: clinical testing. Allele origin: germline.